The following is an entry in ClinVar:

NM_004990.4(MARS1):c.1340G>A (p.Ser447Asn)

Gene: MARS1 (methionyl-tRNA synthetase 1; plus strand). Cytogenetic location: 12q13.3.
Variant type: single nucleotide variant.
Coding change: c.1340G>A on transcript NM_004990.4 (MANE Select); coding-DNA position 1340, G replaced by A.
Protein change: p.Ser447Asn; replaces serine 447 with asparagine.
Molecular consequence: missense variant.
Genome position (GRCh38, 1-based): chr12:57,504,271, G>A. VCF-style: chr12-57504271-G-A. GRCh37 (hg19) VCF-style: chr12-57898054-G-A.
Other names: short protein forms S447N.
Identifiers: ClinVar variation 917042 (VCV000917042.44), dbSNP rs748377952, ClinGen allele CA6650482.

ClinVar aggregate classification (germline): Uncertain significance. Review status: criteria provided, multiple submitters, no conflicts (2 of 4 stars). 5 submissions from 5 submitters: Uncertain significance (5). Last evaluated 2026-05-29.

Conditions:
Charcot-Marie-Tooth disease axonal type 2U. Also called: CHARCOT-MARIE-TOOTH NEUROPATHY, TYPE 2U; CHARCOT-MARIE-TOOTH DISEASE, AXONAL, AUTOSOMAL DOMINANT, TYPE 2U. Identifiers: Orphanet 397735, MedGen C4084821, MONDO:0014566, OMIM 616280.
Severe early-onset pulmonary alveolar proteinosis due to MARS deficiency. Also called: PULMONARY ALVEOLAR PROTEINOSIS, REUNION ISLAND; Interstitial lung and liver disease. Identifiers: Orphanet 440427, MedGen C4225400, MONDO:0014206, OMIM 615486.
MARS1-related disorder. Also called: MARS1-related condition.
Charcot-Marie-Tooth disease. Also called: Charcot-Marie-Tooth Neuropathy; Charcot-Marie-Tooth Hereditary Neuropathy. Identifiers: Orphanet 166, MedGen C0007959, MONDO:0015626.

Allele frequency attached by ClinVar (database versions not stated): gnomAD exomes 0.00005 and 0.00006; ExAC 0.00006; TOPMed 0.00006; gnomAD 0.00008 and 0.00009.
gnomAD v4.1: 89 of 1,614,068 alleles (0.0055%); highest among the groups gnomAD compares: Non-Finnish European, 0.0074%; no homozygotes.

Submissions (5):

PreventionGenetics, part of Exact Sciences
Classification: Uncertain significance for MARS1-related condition. Last evaluated: 2026-05-29. Review status: criteria provided, single submitter. Criteria: ACMG Guidelines, 2015. Collection method: clinical testing. Allele origin: germline.
Comment: The MARS1 c.1340G>A variant is predicted to result in the amino acid substitution p.Ser447Asn. To our knowledge, this variant has not been reported in the literature. This variant is reported in 0.015% of alleles in individuals of European (Non-Finnish) descent in gnomAD. At this time, the clinical significance of this variant is uncertain due to the absence of conclusive functional and genetic evidence.

Labcorp Genetics (formerly Invitae), Labcorp
Classification: Uncertain significance for Charcot-Marie-Tooth disease axonal type 2U; Severe early-onset pulmonary alveolar proteinosis due to MARS deficiency. Last evaluated: 2025-11-24. Review status: criteria provided, single submitter. Criteria: Invitae Variant Classification Sherloc (09022015). Collection method: clinical testing. Allele origin: germline.
Comment: This sequence change replaces serine, which is neutral and polar, with asparagine, which is neutral and polar, at codon 447 of the MARS protein (p.Ser447Asn). This variant is present in population databases (rs748377952, gnomAD 0.01%). This variant has not been reported in the literature in individuals affected with MARS-related conditions. ClinVar contains an entry for this variant (Variation ID: 917042). An algorithm developed to predict the effect of missense changes on protein structure and function (PolyPhen-2) suggests that this variant is likely to be disruptive. In summary, the available evidence is currently insufficient to determine the role of this variant in disease. Therefore, it has been classified as a Variant of Uncertain Significance.

Ambry Genetics
Classification: Uncertain significance. Last evaluated: 2025-04-10. Review status: criteria provided, single submitter. Criteria: Ambry Variant Classification Scheme 2023. Collection method: clinical testing. Allele origin: germline.

CeGaT Center for Human Genetics Tuebingen
Classification: Uncertain significance. Last evaluated: 2021-04-01. Review status: criteria provided, single submitter. Criteria: CeGaT Center For Human Genetics Tuebingen Variant Classification Criteria Version 2. Collection method: clinical testing. Allele origin: germline. Affected: yes. Observed: 1 variant allele.

Molecular Genetics Laboratory, London Health Sciences Centre
Classification: Uncertain significance for Charcot-Marie-Tooth disease. Review status: criteria provided, single submitter. Criteria: ACMG Guidelines, 2015. Collection method: clinical testing. Allele origin: germline. Affected: yes.